The following is an entry in ClinVar:

NM_182961.4(SYNE1):c.10584T>G (p.His3528Gln)

Gene: SYNE1 (spectrin repeat containing nuclear envelope protein 1; minus strand). Cytogenetic location: 6q25.2.
Variant type: single nucleotide variant.
Coding change: c.10584T>G on transcript NM_182961.4 (MANE Select); coding-DNA position 10584, T replaced by G.
Protein change: p.His3528Gln; replaces histidine 3528 with glutamine.
Molecular consequence: missense variant.
Genome position (GRCh38, 1-based): chr6:152,358,397, A>C on the plus strand (T>G on the coding strand, the complement: SYNE1 is on the minus strand). VCF-style: chr6-152358397-A-C. GRCh37 (hg19) VCF-style: chr6-152679532-A-C.
Other names: c.10605T>G, p.His3535Gln (NM_033071.5); short protein forms H3528Q, H3535Q.
Identifiers: ClinVar variation 282041 (VCV000282041.13), dbSNP rs192623867, ClinGen allele CA4056925.
Genomic context (GRCh38, chr6:152,358,397, plus strand): 5'-GAAGATTCCTTTGTTTTAGGATAAAGGAGGCCTTACCTGAAGATCACGCAATGTTGTCTC[A>C]TGAGTGTGGGCATCACCTTCAAGAACTGAATACTGGTCGAGCTTTTCTTGTTCTTGCCCC-3'
Protein context (NP_892006.3, residues 3518-3538): YSVLEGDAHT[His3528Gln]ETTLRDLQEL

ClinVar aggregate classification (germline): Uncertain significance. Review status: criteria provided, multiple submitters, no conflicts (2 of 4 stars). 3 submissions from 3 submitters: Uncertain significance (3). Last evaluated 2024-01-22.

Conditions:
Autosomal recessive ataxia, Beauce type. Also called: Spinocerebellar ataxia, autosomal recessive 8; ATAXIA, RECESSIVE, OF BEAUCE; SYNE1-Related Autosomal Recessive Cerebellar Ataxia; SYNE1 Deficiency. Identifiers: Orphanet 88644, MedGen C1853116, MONDO:0012549, OMIM 610743.
Emery-Dreifuss muscular dystrophy 4, autosomal dominant (EDMD4). Also called: EMERY-DREIFUSS MUSCULAR DYSTROPHY 4 WITH VARIABLE FEATURES. Identifiers: Orphanet 261, MedGen C2751807, MONDO:0013071, OMIM 612998.

Allele frequency attached by ClinVar (database versions not stated): gnomAD 0.00003; TOPMed 0.00003; ExAC 0.00005; gnomAD exomes 0.00006; ESP Exome Variant Server 0.00008; 1000 Genomes Project 30x 0.00016; 1000 Genomes Project 0.00020.

Submissions (3):

Labcorp Genetics (formerly Invitae), Labcorp
Classification: Uncertain significance for Emery-Dreifuss muscular dystrophy 4, autosomal dominant; Autosomal recessive ataxia, Beauce type. Last evaluated: 2024-01-22. Review status: criteria provided, single submitter. Criteria: Invitae Variant Classification Sherloc (09022015). Collection method: clinical testing. Allele origin: germline.
Comment: This sequence change replaces histidine, which is basic and polar, with glutamine, which is neutral and polar, at codon 3535 of the SYNE1 protein (p.His3535Gln). This variant is present in population databases (rs192623867, gnomAD 0.02%). This variant has not been reported in the literature in individuals affected with SYNE1-related conditions. ClinVar contains an entry for this variant (Variation ID: 282041). An algorithm developed to predict the effect of missense changes on protein structure and function (PolyPhen-2) suggests that this variant¬†is likely to be tolerated. In summary, the available evidence is currently insufficient to determine the role of this variant in disease. Therefore, it has been classified as a Variant of Uncertain Significance.

GeneDx
Classification: Uncertain significance. Last evaluated: 2021-08-25. Review status: criteria provided, single submitter. Criteria: GeneDx Variant Classification Process June 2021. Collection method: clinical testing. Allele origin: germline. Affected: yes.
Comment: Has not been previously published as pathogenic or benign to our knowledge; In silico analysis supports that this missense variant does not alter protein structure/function

Eurofins Ntd Llc (ga)
Classification: Uncertain significance. Last evaluated: 2017-05-04. Review status: criteria provided, single submitter. Criteria: EGL Classification Definitions 2015. Collection method: clinical testing. Allele origin: germline. Observed: 2 variant alleles, 2 heterozygotes.